The following is an entry in ClinVar:

NM_014244.5(ADAMTS2):c.2626T>C (p.Phe876Leu)

Gene: ADAMTS2 (ADAM metallopeptidase with thrombospondin type 1 motif 2; minus strand). Cytogenetic location: 5q35.3.
Variant type: single nucleotide variant.
Coding change: c.2626T>C on transcript NM_014244.5 (MANE Select); coding-DNA position 2626, T replaced by C.
Protein change: p.Phe876Leu; replaces phenylalanine 876 with leucine.
Molecular consequence: missense variant.
Genome position (GRCh38, 1-based): chr5:179,126,122, A>G on the plus strand (T>C on the coding strand, the complement: ADAMTS2 is on the minus strand). VCF-style: chr5-179126122-A-G. GRCh37 (hg19) VCF-style: chr5-178553123-A-G.
Other names: short protein forms F876L.
Identifiers: ClinVar variation 1908475 (VCV001908475.5), dbSNP rs2480160072, ClinGen allele CA362422229.
Genomic context (GRCh38, chr5:179,126,122, plus strand): 5'-CACAGAAGCCACGGTGTACCATCTTGTGGTCCAGCCTCCGGCGGCAGCCATACTTGGTGA[A>G]CTGGGACCCTGAAGGCAGAGAGCTCGACGGGGGTCGGTGGGGCAGCATGCCCTGCCCGAG-3'
Protein context (NP_055059.2, residues 866-886): CSKPCGGGSQ[Phe876Leu]TKYGCRRRLD

ClinVar aggregate classification (germline): Uncertain significance (1 of 4 stars; one submission).

Conditions:
Ehlers-Danlos syndrome, dermatosparaxis type. Also called: EDS VIIC; Dermatosparaxis; Ehlers-Danlos syndrome, type VII, autosomal recessive. Identifiers: Orphanet 1901, MedGen C2700425, MONDO:0009161, OMIM 225410.

Submission:

Labcorp Genetics (formerly Invitae), Labcorp
Classification: Uncertain significance for Ehlers-Danlos syndrome, dermatosparaxis type. Last evaluated: 2022-11-22. Review status: criteria provided, single submitter. Criteria: Invitae Variant Classification Sherloc (09022015). Collection method: clinical testing. Allele origin: germline.
Comment: This sequence change replaces phenylalanine, which is neutral and non-polar, with leucine, which is neutral and non-polar, at codon 876 of the ADAMTS2 protein (p.Phe876Leu). This variant is not present in population databases (gnomAD no frequency). In summary, the available evidence is currently insufficient to determine the role of this variant in disease. Therefore, it has been classified as a Variant of Uncertain Significance. Algorithms developed to predict the effect of missense changes on protein structure and function output the following: SIFT: "Tolerated"; PolyPhen-2: "Benign"; Align-GVGD: "Class C0". The leucine amino acid residue is found in multiple mammalian species, which suggests that this missense change does not adversely affect protein function. This variant has not been reported in the literature in individuals affected with ADAMTS2-related conditions.